The following is an entry in ClinVar:

NM_000096.4(CP):c.2066del (p.Pro689fs)

Gene: CP (ceruloplasmin; minus strand). Cytogenetic location: 3q24.
Variant type: Deletion.
Coding change: c.2066del on transcript NM_000096.4 (MANE Select); coding-DNA position 2066, one base deleted (C; older notation c.2066delC).
Protein change: p.Pro689fs; shifts the reading frame from proline 689.
Molecular consequence: frameshift variant.
Genome position (GRCh38, 1-based): chr3:149,186,531, G deleted on the plus strand (C on the coding strand, the reverse complement: CP is on the minus strand); the first of 2 consecutive G bases (chr3:149,186,531-149,186,532); deleting either gives the same sequence. VCF-style (leftmost placement, unchanged base first): chr3-149186530-AG-A. GRCh37 (hg19) VCF-style: chr3-148904317-AG-A.
Other names: c.2065delC; c.2066delC (NM_000096.3); c.2066del (NM_000096.3); short protein forms P689fs.
Identifiers: ClinVar variation 42143 (VCV000042143.18), dbSNP rs386134147, ClinGen allele CA344601.

ClinVar aggregate classification (germline): Pathogenic/Likely pathogenic. Review status: criteria provided, multiple submitters, no conflicts (2 of 4 stars). 6 submissions from 6 submitters: Pathogenic (4); Likely pathogenic (1). 1 of the submissions does not count toward it. Last evaluated 2025-12-22.

Conditions:
CP-related disorder. Also called: CP-related condition.
Neurodegeneration with brain iron accumulation (NBIA). Identifiers: Orphanet 385, MedGen C2931845, MONDO:0018307.
Deficiency of ferroxidase (ACEP). Also called: Aceruloplasminemia; Ceruloplasmin deficiency; Familial apoceruloplasmin deficiency; Hereditary ceruloplasmin deficiency; NEURODEGENERATION WITH BRAIN IRON ACCUMULATION 10; Deficiency of ceruloplasmin. Identifiers: Orphanet 48818, MedGen C0878682, MONDO:0011426, OMIM 604290, HP:0025498.

Submissions (6):

Labcorp Genetics (formerly Invitae), Labcorp
Classification: Pathogenic for Deficiency of ferroxidase. Last evaluated: 2025-12-22. Review status: criteria provided, single submitter. Criteria: Invitae Variant Classification Sherloc (09022015). Collection method: clinical testing. Allele origin: germline.
Comment: This sequence change creates a premature translational stop signal (p.Pro689Leufs*21) in the CP gene. It is expected to result in an absent or disrupted protein product. Loss-of-function variants in CP are known to be pathogenic (PMID: 16629161). This variant is present in population databases (rs778837703, gnomAD 0.002%). This premature translational stop signal has been observed in individual(s) with aceruloplasminemia (PMID: 16629161). This variant is also known as nt2065delC. ClinVar contains an entry for this variant (Variation ID: 42143). For these reasons, this variant has been classified as Pathogenic.

PreventionGenetics, part of Exact Sciences
Classification: Pathogenic for CP-related condition. Last evaluated: 2025-05-30. Review status: criteria provided, single submitter. Criteria: ACMG Guidelines, 2015. Collection method: clinical testing. Allele origin: germline.
Comment: The CP c.2066delC variant is predicted to result in a frameshift and premature protein termination (p.Pro689Leufs*21). This variant was reported as causative for autosomal recessive aceruloplasminaemia (described as c.2065delC, Kono. 2006. PubMed ID: 16629161). This variant is reported in 0.0023% of alleles in individuals of European (Non-Finnish) descent in gnomAD. Frameshift variants in CP are expected to be pathogenic. This variant is interpreted as pathogenic.

GeneDx
Classification: Pathogenic. Last evaluated: 2024-09-05. Review status: criteria provided, single submitter. Criteria: GeneDx Variant Classification Process June 2021. Collection method: clinical testing. Allele origin: germline. Affected: yes.
Comment: Frameshift variant predicted to result in protein truncation or nonsense mediated decay in a gene for which loss of function is a known mechanism of disease; Not observed at significant frequency in large population cohorts (gnomAD); This variant is associated with the following publications: (PMID: 16629161, 28675187)

Fulgent Genetics
Classification: Pathogenic for Deficiency of ferroxidase. Last evaluated: 2024-05-14. Review status: criteria provided, single submitter. Criteria: ACMG Guidelines, 2015. Collection method: clinical testing. Allele origin: germline.

Women's Health and Genetics/Laboratory Corporation of America, LabCorp
Classification: Likely pathogenic for Neurodegeneration with brain iron accumulation. Last evaluated: 2022-12-31. Review status: criteria provided, single submitter. Criteria: LabCorp Variant Classification Summary - May 2015. Collection method: clinical testing. Allele origin: germline.
Comment: Variant summary: CP c.2066delC (p.Pro689LeufsX21) results in a premature termination codon, predicted to cause a truncation of the encoded protein or absence of the protein due to nonsense mediated decay, which are commonly known mechanisms for disease. The variant allele was found at a frequency of 8e-06 in 251420 control chromosomes (gnomAD). c.2066delC has been reported in the literature in individuals affected with Aceruloplasminemia (Kono_2006), however, this report does not provide unequivocal conclusions about association of the variant with Neurodegeneration With Brain Iron Accumulation. To our knowledge, no experimental evidence demonstrating an impact on protein function has been reported. One ClinVar submitter has assessed the variant since 2014: the variant was classified as pathogenic. Based on the evidence outlined above, the variant was classified as likely pathogenic.

GeneReviews
Classification: Pathogenic for Aceruloplasminemia. Last evaluated: 2013-04-18. Review status: no assertion criteria provided. Collection method: curation. Allele origin: unknown. Not counted in ClinVar's aggregate classification.
ClinVar note: Converted during submission from pathologic to Pathogenic.

Literature cited by the submitters: PubMed 16629161 (cited by Labcorp Genetics (formerly Invitae), Labcorp and Women's Health and Genetics/Laboratory Corporation of America, LabCorp); PubMed 32235485 (cited by Women's Health and Genetics/Laboratory Corporation of America, LabCorp).